The following is an entry in ClinVar:

NM_012330.4(KAT6B):c.4783G>A (p.Asp1595Asn)

Gene: KAT6B (lysine acetyltransferase 6B; plus strand). Cytogenetic location: 10q22.2.
Variant type: single nucleotide variant.
Coding change: c.4783G>A on transcript NM_012330.4 (MANE Select); coding-DNA position 4783, G replaced by A.
Protein change: p.Asp1595Asn; replaces aspartic acid 1595 with asparagine.
Molecular consequence: missense variant.
Genome position (GRCh38, 1-based): chr10:75,029,607, G>A. VCF-style: chr10-75029607-G-A. GRCh37 (hg19) VCF-style: chr10-76789365-G-A.
Other names: c.4234G>A, p.Asp1412Asn (NM_001256468.2, NM_001370138.1); c.3907G>A, p.Asp1303Asn (NM_001256469.2, NM_001370139.1, NM_001370140.1 and 2 more transcripts); c.3745G>A, p.Asp1249Asn (NM_001370132.1); c.3094G>A, p.Asp1032Asn (NM_001370133.1); c.2698G>A, p.Asp900Asn (NM_001370134.1); c.2440G>A, p.Asp814Asn (NM_001370135.1); c.4783G>A, p.Asp1595Asn (NM_001370136.1, NM_001370137.1); c.3718G>A, p.Asp1240Asn (NM_001370143.1, NM_001370144.1); short protein forms D814N, D1032N, D1249N, D900N, D1240N, D1303N, D1595N, D1412N.
Identifiers: ClinVar variation 2013801 (VCV002013801.4), dbSNP rs2549205865, ClinGen allele CA377298639.

ClinVar aggregate classification (germline): Uncertain significance (1 of 4 stars; one submission).

Conditions:
Genitopatellar syndrome (GTPTS). Also called: ABSENT PATELLAE, SCROTAL HYPOPLASIA, RENAL ANOMALIES, FACIAL DYSMORPHISM, AND MENTAL RETARDATION; Genitopatellar syndrome (GPS). Identifiers: Orphanet 85201, MedGen C1853566, MONDO:0011640, OMIM 606170.

Submission:

Labcorp Genetics (formerly Invitae), Labcorp
Classification: Uncertain significance for Genitopatellar syndrome. Last evaluated: 2022-07-03. Review status: criteria provided, single submitter. Criteria: Invitae Variant Classification Sherloc (09022015). Collection method: clinical testing. Allele origin: germline.
Comment: This variant has not been reported in the literature in individuals affected with KAT6B-related conditions. In summary, the available evidence is currently insufficient to determine the role of this variant in disease. Therefore, it has been classified as a Variant of Uncertain Significance. Algorithms developed to predict the effect of missense changes on protein structure and function output the following: SIFT: "Tolerated"; PolyPhen-2: "Benign"; Align-GVGD: "Class C0". The asparagine amino acid residue is found in multiple mammalian species, which suggests that this missense change does not adversely affect protein function. This variant is not present in population databases (gnomAD no frequency). This sequence change replaces aspartic acid, which is acidic and polar, with asparagine, which is neutral and polar, at codon 1595 of the KAT6B protein (p.Asp1595Asn).